The following is an entry in ClinVar:

NM_002439.5(MSH3):c.2370A>G (p.Arg790=)

Gene: MSH3 (mutS homolog 3; plus strand). Cytogenetic location: 5q14.1.
Variant type: single nucleotide variant.
Coding change: c.2370A>G on transcript NM_002439.5 (MANE Select); coding-DNA position 2370, A replaced by G.
Protein change: p.Arg790=; no amino-acid change (arginine 790 retained).
Molecular consequence: synonymous variant.
Genome position (GRCh38, 1-based): chr5:80,778,771, A>G. VCF-style: chr5-80778771-A-G. GRCh37 (hg19) VCF-style: chr5-80074590-A-G.
Identifiers: ClinVar variation 757275 (VCV000757275.14), dbSNP rs1278142628, ClinGen allele CA445163408.

ClinVar aggregate classification (germline): Conflicting classifications of pathogenicity. Review status: criteria provided, conflicting classifications (1 of 4 stars). 3 submissions from 3 submitters: Uncertain significance (1); Likely benign (2). Last evaluated 2025-12-13.

Conditions:
Hereditary cancer-predisposing syndrome. Also called: Hereditary Cancer Syndrome; Hereditary neoplastic syndrome; Neoplastic Syndromes, Hereditary; Tumor predisposition. Identifiers: Orphanet 140162, MedGen C0027672, MeSH D009386, MONDO:0015356.

Allele frequency attached by ClinVar (database versions not stated): gnomAD 0.00001; gnomAD exomes 0.00001 and 0.00005; TOPMed 0.00003.
gnomAD v4.1: 66 of 1,613,484 alleles (0.0041%); highest among the groups gnomAD compares: Non-Finnish European, 0.0056%; no homozygotes.

Submissions (3):

Labcorp Genetics (formerly Invitae), Labcorp
Classification: Likely benign. Last evaluated: 2025-12-13. Review status: criteria provided, single submitter. Criteria: Invitae Variant Classification Sherloc (09022015). Collection method: clinical testing. Allele origin: germline.

Quest Diagnostics Nichols Institute San Juan Capistrano
Classification: Uncertain significance. Last evaluated: 2023-01-03. Review status: criteria provided, single submitter. Criteria: Quest Diagnostics criteria. Collection method: clinical testing. Allele origin: unknown.
Comment: To the best of our knowledge, the variant has not been reported in the published literature. The frequency of this variant in the general population, 0.000079 (4/50726 chromosomes), is uninformative in assessment of its pathogenicity. Analysis of this variant using software algorithms for the prediction of the effect of nucleotide changes on splicing yielded predictions that this variant does not affect MSH3 mRNA splicing . Based on the available information, we are unable to determine the clinical significance of this variant.

Ambry Genetics
Classification: Likely benign for Hereditary cancer-predisposing syndrome. Last evaluated: 2020-03-10. Review status: criteria provided, single submitter. Criteria: Ambry Variant Classification Scheme 2023. Collection method: clinical testing. Allele origin: germline.